The following is an entry in ClinVar:

NM_022489.4(INF2):c.2008G>T (p.Glu670Ter)

Gene: INF2 (inverted formin 2; plus strand). Cytogenetic location: 14q32.33.
Variant type: single nucleotide variant.
Coding change: c.2008G>T on transcript NM_022489.4 (MANE Select); coding-DNA position 2008, G replaced by T.
Protein change: p.Glu670Ter; replaces glutamic acid 670 with a stop codon.
Molecular consequence: nonsense.
Genome position (GRCh38, 1-based): chr14:104,709,339, G>T. VCF-style: chr14-104709339-G-T. GRCh37 (hg19) VCF-style: chr14-105175676-G-T.
Other names: c.2008G>T, p.Glu670Ter (NM_001031714.4, NM_001426862.1, NM_001426863.1 and 2 more transcripts); short protein forms E670*.
Identifiers: ClinVar variation 2942342 (VCV002942342.3), dbSNP rs2541929562, ClinGen allele CA391219647.
Genomic context (GRCh38, chr14:104,709,339, plus strand): 5'-AGCTCCAACGAGGAGGTCGCTGCTATGATCCGGGCTGGAGATACCACCAAGTTTGATGTG[G>T]AGGTTCTCAAACAACTCCTTAAGCTCCTTCCCGAGAAGCACGAGGTAAGAGGACCACCCC-3'

ClinVar aggregate classification (germline): Uncertain significance (1 of 4 stars; one submission).

Conditions:
Focal segmental glomerulosclerosis 5 (FSGS5). Identifiers: Orphanet 656, MedGen C2750475, MONDO:0013191, OMIM 613237.
Charcot-Marie-Tooth disease dominant intermediate E. Also called: CHARCOT-MARIE-TOOTH NEUROPATHY WITH FOCAL SEGMENTAL GLOMERULONEPHRITIS. Identifiers: Orphanet 93114, MedGen C4302667, MONDO:0013758, OMIM 614455.

Submission:

Labcorp Genetics (formerly Invitae), Labcorp
Classification: Uncertain significance for Charcot-Marie-Tooth disease dominant intermediate E; Focal segmental glomerulosclerosis 5. Last evaluated: 2022-12-15. Review status: criteria provided, single submitter. Criteria: Invitae Variant Classification Sherloc (09022015). Collection method: clinical testing. Allele origin: germline.
Comment: In summary, the available evidence is currently insufficient to determine the role of this variant in disease. Therefore, it has been classified as a Variant of Uncertain Significance. This variant has not been reported in the literature in individuals affected with INF2-related conditions. This variant is not present in population databases (gnomAD no frequency). This sequence change creates a premature translational stop signal (p.Glu670*) in the INF2 gene. It is expected to result in an absent or disrupted protein product. However, the current clinical and genetic evidence is not sufficient to establish whether loss-of-function variants in INF2 cause disease.